The following is an entry in ClinVar:

ClinVar aggregate classification (germline): Uncertain significance (1 of 4 stars; one submission).

gnomAD v4.1: 2 of 1,610,906 alleles (0.00012%); highest among the groups gnomAD compares: Non-Finnish European, 0.00017%; no homozygotes.

Submission:

Ambry Genetics
Classification: Uncertain significance. Last evaluated: 2024-11-28. Review status: criteria provided, single submitter. Criteria: Ambry Variant Classification Scheme 2023. Collection method: clinical testing. Allele origin: germline.
Comment: The p.Y884C variant (also known as c.2651A>G), located in coding exon 7 of the CDK12 gene, results from an A to G substitution at nucleotide position 2651. The tyrosine at codon 884 is replaced by cysteine, an amino acid with highly dissimilar properties. This amino acid position is conserved. In addition, this alteration is predicted to be deleterious by in silico analysis. Based on the available evidence, the clinical significance of this variant remains unclear.

NM_016507.4(CDK12):c.2651A>G (p.Tyr884Cys)

Gene: CDK12 (cyclin dependent kinase 12; plus strand). Cytogenetic location: 17q12.
Variant type: single nucleotide variant.
Coding change: c.2651A>G on transcript NM_016507.4 (MANE Select); coding-DNA position 2651, A replaced by G.
Protein change: p.Tyr884Cys; replaces tyrosine 884 with cysteine.
Molecular consequence: missense variant.
Genome position (GRCh38, 1-based): chr17:39,509,746, A>G. VCF-style: chr17-39509746-A-G. GRCh37 (hg19) VCF-style: chr17-37665999-A-G.
Other names: c.2651A>G, p.Tyr884Cys (NM_015083.4); short protein forms Y884C.
Identifiers: ClinVar variation 3489312 (VCV003489312.1).